The following is an entry in ClinVar:

NM_031263.4(HNRNPK):c.575T>G (p.Val192Gly)

Genes: HNRNPK (heterogeneous nuclear ribonucleoprotein K; minus strand), HNRNPK-AS1 (HNRNPK antisense RNA 1; plus strand). Cytogenetic location: 9q21.32.
Variant type: single nucleotide variant.
Coding change: c.575T>G on transcript NM_031263.4 (MANE Select); coding-DNA position 575, T replaced by G.
Protein change: p.Val192Gly; replaces valine 192 with glycine.
Molecular consequence: missense variant.
Genome position (GRCh38, 1-based): chr9:83,972,914, A>C on the plus strand (T>G on the coding strand, the complement: HNRNPK is on the minus strand). VCF-style: chr9-83972914-A-C. GRCh37 (hg19) VCF-style: chr9-86587829-A-C.
Other names: NM_031262.4:c.575T>G; c.503T>G, p.Val168Gly (NM_001318186.2, NM_001318187.2); c.575T>G, p.Val192Gly (NM_001318188.2, NM_002140.5, NM_031262.4); short protein forms V168G, V192G.
Identifiers: ClinVar variation 2412686 (VCV002412686.1), dbSNP rs2491980465, ClinGen allele CA373926729.

ClinVar aggregate classification (germline): Likely pathogenic (1 of 4 stars; one submission).

Conditions:
Au-Kline syndrome. Also called: Neurodevelopmental disorder-craniofacial dysmorphism-cardiac defect-hip dysplasia syndrome due to a point mutation; Okamoto syndrome. Identifiers: Orphanet 2729, Orphanet 453499, Orphanet 453504, MedGen C4225274, MONDO:0014700, OMIM 616580.

Submission:

Broad Center for Mendelian Genomics, Broad Institute of MIT and Harvard
Classification: Likely pathogenic for Au-Kline syndrome. Last evaluated: 2023-01-25. Review status: criteria provided, single submitter. Criteria: ACMG Guidelines, 2015. Collection method: curation. Allele origin: germline. Inheritance: Autosomal dominant inheritance.
Comment: Trio exome analysis showed this variant to be de novo. The p.Val192Gly variant in HNRNPK has not been previously reported in individuals with Au-Kline syndrome. This variant was absent from large population studies. Computational prediction tools and conservation analyses suggest that this variant may impact the protein, though this information is not predictive enough to determine pathogenicity. In summary, although additional studies are required to fully establish its clinical significance, this variant is likely pathogenic for Au-Kline syndrome. ACMG/AMP Criteria applied: PS2, PM2_Supporting, PP3 (Richards 2015).